The following is an entry in ClinVar:

ClinVar aggregate classification (germline): Uncertain significance (1 of 4 stars; one submission).

Conditions:
Mendelian susceptibility to mycobacterial diseases due to complete IL12RB1 deficiency. Also called: IL12RB1 DEFICIENCY; Immunodeficiency 30. Identifiers: Orphanet 319552, MedGen C4013949, MONDO:0013955, OMIM 614891.

Allele frequency attached by ClinVar (database versions not stated): gnomAD 0.00006; TOPMed 0.00006; ESP Exome Variant Server 0.00008.
gnomAD v4.1: 36 of 1,614,054 alleles (0.0022%); highest among the groups gnomAD compares: African/African-American, 0.019%; no homozygotes.

Submission:

Labcorp Genetics (formerly Invitae), Labcorp
Classification: Uncertain significance for Mendelian susceptibility to mycobacterial diseases due to complete IL12RB1 deficiency. Last evaluated: 2025-08-15. Review status: criteria provided, single submitter. Criteria: Invitae Variant Classification Sherloc (09022015). Collection method: clinical testing. Allele origin: germline.
Comment: This sequence change replaces serine, which is neutral and polar, with leucine, which is neutral and non-polar, at codon 321 of the IL12RB1 protein (p.Ser321Leu). This variant is present in population databases (rs147766868, gnomAD 0.008%). This variant has not been reported in the literature in individuals affected with IL12RB1-related conditions. ClinVar contains an entry for this variant (Variation ID: 575743). Invitae Evidence Modeling of protein sequence and biophysical properties (such as structural, functional, and spatial information, amino acid conservation, physicochemical variation, residue mobility, and thermodynamic stability) indicates that this missense variant is not expected to disrupt IL12RB1 protein function with a negative predictive value of 80%. In summary, the available evidence is currently insufficient to determine the role of this variant in disease. Therefore, it has been classified as a Variant of Uncertain Significance.

NM_005535.3(IL12RB1):c.962C>T (p.Ser321Leu)

Gene: IL12RB1 (interleukin 12 receptor subunit beta 1; minus strand). Cytogenetic location: 19p13.11.
Variant type: single nucleotide variant.
Coding change: c.962C>T on transcript NM_005535.3 (MANE Select); coding-DNA position 962, C replaced by T.
Protein change: p.Ser321Leu; replaces serine 321 with leucine.
Molecular consequence: missense variant.
Genome position (GRCh38, 1-based): chr19:18,072,171, G>A on the plus strand (C>T on the coding strand, the complement: IL12RB1 is on the minus strand). VCF-style: chr19-18072171-G-A. GRCh37 (hg19) VCF-style: chr19-18182981-G-A.
Other names: c.962C>T, p.Ser321Leu (NM_001290023.2, NM_153701.3); c.1082C>T, p.Ser361Leu (NM_001290024.2); short protein forms S321L, S361L.
Identifiers: ClinVar variation 575743 (VCV000575743.6), dbSNP rs147766868, ClinGen allele CA9305022.